The following is an entry in ClinVar:

ClinVar aggregate classification (germline): Uncertain significance (1 of 4 stars; one submission).

Conditions:
Immunodeficiency. Identifiers: MedGen C0021051, MONDO:0021094, HP:0002721.

Submission:

Labcorp Genetics (formerly Invitae), Labcorp
Classification: Uncertain significance for Immunodeficiency. Last evaluated: 2024-05-06. Review status: criteria provided, single submitter. Criteria: Invitae Variant Classification Sherloc (09022015). Collection method: clinical testing. Allele origin: germline.
Comment: This sequence change replaces threonine, which is neutral and polar, with isoleucine, which is neutral and non-polar, at codon 532 of the NFAT5 protein (p.Thr532Ile). This variant is not present in population databases (gnomAD no frequency). This variant has not been reported in the literature in individuals affected with NFAT5-related conditions. An algorithm developed to predict the effect of missense changes on protein structure and function (PolyPhen-2) suggests that this variant is likely to be tolerated. In summary, the available evidence is currently insufficient to determine the role of this variant in disease. Therefore, it has been classified as a Variant of Uncertain Significance.

NM_138713.4(NFAT5):c.1877C>T (p.Thr626Ile)

Gene: NFAT5 (nuclear factor of activated T cells 5; plus strand). Cytogenetic location: 16q22.1.
Variant type: single nucleotide variant.
Coding change: c.1877C>T on transcript NM_138713.4 (MANE Select); coding-DNA position 1877, C replaced by T.
Protein change: p.Thr626Ile; replaces threonine 626 with isoleucine.
Molecular consequence: missense variant.
Genome position (GRCh38, 1-based): chr16:69,691,042, C>T. VCF-style: chr16-69691042-C-T. GRCh37 (hg19) VCF-style: chr16-69724945-C-T.
Other names: c.1874C>T, p.Thr625Ile (NM_001113178.3); c.1202C>T, p.Thr401Ile (NM_001367709.1); c.1823C>T, p.Thr608Ile (NM_006599.4); c.1595C>T, p.Thr532Ile (NM_138714.4, NM_173214.3, NM_173215.3); short protein forms T401I, T626I, T625I, T532I, T608I.
Identifiers: ClinVar variation 2698774 (VCV002698774.3), dbSNP rs2544221800, ClinGen allele CA396504346.